The following is an entry in ClinVar:

ClinVar aggregate classification (germline): Uncertain significance. Review status: criteria provided, multiple submitters, no conflicts (2 of 4 stars). 2 submissions from 2 submitters: Uncertain significance (2). Last evaluated 2026-01-09.

Conditions:
Hereditary cancer-predisposing syndrome. Also called: Tumor predisposition; Hereditary neoplastic syndrome; Neoplastic Syndromes, Hereditary; Hereditary Cancer Syndrome. Identifiers: Orphanet 140162, MedGen C0027672, MeSH D009386, MONDO:0015356.

Submissions (2):

Labcorp Genetics (formerly Invitae), Labcorp
Classification: Uncertain significance. Last evaluated: 2026-01-09. Review status: criteria provided, single submitter. Criteria: Invitae Variant Classification Sherloc (09022015). Collection method: clinical testing. Allele origin: germline.
Comment: This sequence change replaces histidine, which is basic and polar, with glutamine, which is neutral and polar, at codon 1163 of the POLE protein (p.His1163Gln). This variant is not present in population databases (gnomAD no frequency). This variant has not been reported in the literature in individuals affected with POLE-related conditions. ClinVar contains an entry for this variant (Variation ID: 951331). Invitae Evidence Modeling of protein sequence and biophysical properties (such as structural, functional, and spatial information, amino acid conservation, physicochemical variation, residue mobility, and thermodynamic stability) indicates that this missense variant is expected to disrupt POLE protein function with a positive predictive value of 80%. In summary, the available evidence is currently insufficient to determine the role of this variant in disease. Therefore, it has been classified as a Variant of Uncertain Significance.

Ambry Genetics
Classification: Uncertain significance for Hereditary cancer-predisposing syndrome. Last evaluated: 2022-11-12. Review status: criteria provided, single submitter. Criteria: Ambry Variant Classification Scheme 2023. Collection method: clinical testing. Allele origin: germline.
Comment: The p.H1163Q variant (also known as c.3489C>G), located in coding exon 29 of the POLE gene, results from a C to G substitution at nucleotide position 3489. The histidine at codon 1163 is replaced by glutamine, an amino acid with highly similar properties. This amino acid position is conserved. In addition, the in silico prediction for this alteration is inconclusive. Since supporting evidence is limited at this time, the clinical significance of this alteration remains unclear.

NM_006231.4(POLE):c.3489C>G (p.His1163Gln)

Gene: POLE (DNA polymerase epsilon, catalytic subunit; minus strand). Cytogenetic location: 12q24.33.
Variant type: single nucleotide variant.
Coding change: c.3489C>G on transcript NM_006231.4 (MANE Select); coding-DNA position 3489, C replaced by G.
Protein change: p.His1163Gln; replaces histidine 1163 with glutamine.
Molecular consequence: missense variant.
Genome position (GRCh38, 1-based): chr12:132,657,229, G>C on the plus strand (C>G on the coding strand, the complement: POLE is on the minus strand). VCF-style: chr12-132657229-G-C. GRCh37 (hg19) VCF-style: chr12-133233815-G-C.
Other names: c.3489C>G (NM_006231.2); short protein forms H1163Q.
Identifiers: ClinVar variation 951331 (VCV000951331.11), dbSNP rs5744888, ClinGen allele CA387388698.